The following is an entry in ClinVar:

NM_025114.4(CEP290):c.180+11A>G

Gene: CEP290 (centrosomal protein 290; minus strand). Cytogenetic location: 12q21.32.
Variant type: single nucleotide variant.
Coding change: c.180+11A>G on transcript NM_025114.4 (MANE Select); 11 bases into the intron after coding-DNA position 180, A replaced by G.
Molecular consequence: intron variant.
Genome position (GRCh38, 1-based): chr12:88,140,945, T>C on the plus strand (A>G on the coding strand, the complement: CEP290 is on the minus strand). VCF-style: chr12-88140945-T-C. GRCh37 (hg19) VCF-style: chr12-88534722-T-C.
Identifiers: ClinVar variation 1352169 (VCV001352169.6), dbSNP rs2138296866, ClinGen allele CA2573149057.

ClinVar aggregate classification (germline): Uncertain significance (1 of 4 stars; one submission).

Conditions:
Joubert syndrome. Also called: CEREBELLOPARENCHYMAL DISORDER IV; JOUBERT-BOLTSHAUSER SYNDROME; Familial aplasia of the vermis. Identifiers: Orphanet 475, MedGen C5979921, MONDO:0018772.
Nephronophthisis. Also called: Juvenile Nephronophthisis. Identifiers: Orphanet 655, MedGen C0687120, MONDO:0019005, HP:0000090.
Meckel-Gruber syndrome. Also called: DYSENCEPHALIA SPLANCHNOCYSTICA; GRUBER SYNDROME; Dysencephalia splachnocystica. Identifiers: Orphanet 564, MedGen C0265215, MONDO:0018921.

Submission:

Labcorp Genetics (formerly Invitae), Labcorp
Classification: Uncertain significance for Joubert syndrome; Meckel-Gruber syndrome; Nephronophthisis. Last evaluated: 2022-01-12. Review status: criteria provided, single submitter. Criteria: Invitae Variant Classification Sherloc (09022015). Collection method: clinical testing. Allele origin: germline.
Comment: In summary, the available evidence is currently insufficient to determine the role of this variant in disease. Therefore, it has been classified as a Variant of Uncertain Significance. Algorithms developed to predict the effect of sequence changes on RNA splicing suggest that this variant may create or strengthen a splice site. This variant has not been reported in the literature in individuals affected with CEP290-related conditions. This variant is not present in population databases (gnomAD no frequency). This sequence change falls in intron 3 of the CEP290 gene. It does not directly change the encoded amino acid sequence of the CEP290 protein.